The following is an entry in ClinVar:

NM_000271.5(NPC1):c.2531del (p.Gly844fs)

Gene: NPC1 (NPC intracellular cholesterol transporter 1; minus strand). Cytogenetic location: 18q11.2.
Variant type: Deletion.
Coding change: c.2531del on transcript NM_000271.5 (MANE Select); coding-DNA position 2531, one base deleted (G; older notation c.2531delG).
Protein change: p.Gly844fs; shifts the reading frame from glycine 844.
Molecular consequence: frameshift variant.
Genome position (GRCh38, 1-based): chr18:23,540,521, C deleted on the plus strand (G on the coding strand, the reverse complement: NPC1 is on the minus strand); the first of 3 consecutive C bases (chr18:23,540,521-23,540,523); deleting any one gives the same sequence. VCF-style (leftmost placement, unchanged base first): chr18-23540520-AC-A. GRCh37 (hg19) VCF-style: chr18-21120484-AC-A.
Other names: short protein forms G844fs.
Identifiers: ClinVar variation 2846892 (VCV002846892.3), dbSNP rs2145378067, ClinGen allele CA2739268608.

ClinVar aggregate classification (germline): Pathogenic (1 of 4 stars; one submission).

Conditions:
Niemann-Pick disease, type C1. Also called: NIEMANN-PICK DISEASE, VARIANT TYPE C1; NEUROVISCERAL STORAGE DISEASE WITH VERTICAL SUPRANUCLEAR OPHTHALMOPLEGIA; NIEMANN-PICK DISEASE WITH CHOLESTEROL ESTERIFICATION BLOCK; NIEMANN-PICK DISEASE WITHOUT SPHINGOMYELINASE DEFICIENCY; NIEMANN-PICK DISEASE, CHRONIC NEURONOPATHIC FORM. Identifiers: Orphanet 646, MedGen C3179455, MONDO:0009757, OMIM 257220.

Submission:

Labcorp Genetics (formerly Invitae), Labcorp
Classification: Pathogenic for Niemann-Pick disease, type C1. Last evaluated: 2023-03-18. Review status: criteria provided, single submitter. Criteria: Invitae Variant Classification Sherloc (09022015). Collection method: clinical testing. Allele origin: germline.
Comment: This sequence change creates a premature translational stop signal (p.Gly844Valfs*10) in the NPC1 gene. It is expected to result in an absent or disrupted protein product. Loss-of-function variants in NPC1 are known to be pathogenic (PMID: 9211850). This variant is not present in population databases (gnomAD no frequency). This variant has not been reported in the literature in individuals affected with NPC1-related conditions. For these reasons, this variant has been classified as Pathogenic.

Literature cited by the submitters: PubMed 9211850.